The following is an entry in ClinVar:

ClinVar aggregate classification (germline): Uncertain significance (1 of 4 stars; one submission).

Conditions:
Progressive sclerosing poliodystrophy (MTDPS4A). Also called: ALPERS PROGRESSIVE INFANTILE POLIODYSTROPHY; NEURONAL DEGENERATION OF CHILDHOOD WITH LIVER DISEASE, PROGRESSIVE; Mitochondrial DNA Depletion Syndrome 4A; Alpers Syndrome; ALPERS DIFFUSE DEGENERATION OF CEREBRAL GRAY MATTER WITH HEPATIC CIRRHOSIS; Alpers-Huttenlocher Syndrome. Identifiers: Orphanet 726, MedGen C0205710, MONDO:0008758, OMIM 203700.

gnomAD v4.1: 2 of 1,614,014 alleles (0.00012%); highest among the groups gnomAD compares: East Asian, 0.0045%; no homozygotes.

Submission:

Labcorp Genetics (formerly Invitae), Labcorp
Classification: Uncertain significance for Progressive sclerosing poliodystrophy. Last evaluated: 2025-07-06. Review status: criteria provided, single submitter. Criteria: Invitae Variant Classification Sherloc (09022015). Collection method: clinical testing. Allele origin: germline.
Comment: This sequence change replaces glutamic acid, which is acidic and polar, with glutamine, which is neutral and polar, at codon 698 of the POLG protein (p.Glu698Gln). This variant is not present in population databases (gnomAD no frequency). This variant has not been reported in the literature in individuals affected with POLG-related conditions. Invitae Evidence Modeling of protein sequence and biophysical properties (such as structural, functional, and spatial information, amino acid conservation, physicochemical variation, residue mobility, and thermodynamic stability) indicates that this missense variant is not expected to disrupt POLG protein function with a negative predictive value of 95%. In summary, the available evidence is currently insufficient to determine the role of this variant in disease. Therefore, it has been classified as a Variant of Uncertain Significance.

NM_002693.3(POLG):c.2092G>C (p.Glu698Gln)

Gene: POLG (DNA polymerase gamma, catalytic subunit; minus strand). Cytogenetic location: 15q26.1.
Variant type: single nucleotide variant.
Coding change: c.2092G>C on transcript NM_002693.3 (MANE Select); coding-DNA position 2092, G replaced by C.
Protein change: p.Glu698Gln; replaces glutamic acid 698 with glutamine.
Molecular consequence: missense variant.
Genome position (GRCh38, 1-based): chr15:89,323,880, C>G on the plus strand (G>C on the coding strand, the complement: POLG is on the minus strand). VCF-style: chr15-89323880-C-G. GRCh37 (hg19) VCF-style: chr15-89867111-C-G.
Other names: c.2092G>C, p.Glu698Gln (NM_001126131.2); short protein forms E698Q.
Identifiers: ClinVar variation 4806779 (VCV004806779.1).